The following is an entry in ClinVar:

ClinVar aggregate classification (germline): Pathogenic (1 of 4 stars; one submission).

Conditions:
Inborn genetic diseases. Identifiers: MedGen C0950123, MeSH D030342.

Submission:

Ambry Genetics
Classification: Pathogenic for Inborn genetic diseases. Last evaluated: 2024-11-21. Review status: criteria provided, single submitter. Criteria: Ambry Variant Classification Scheme 2023. Collection method: clinical testing. Allele origin: germline.
Comment: The c.4803_4804delGA (p.N1602Hfs*7) alteration, located in exon 32 (coding exon 31) of the PKHD1 gene, consists of a deletion of 2 nucleotides from position 4803 to 4804, causing a translational frameshift with a predicted alternate stop codon after 7 amino acids. This alteration is expected to result in loss of function by premature protein truncation or nonsense-mediated mRNA decay. This variant was not reported in population-based cohorts in the Genome Aggregation Database (gnomAD). Based on the available evidence, this alteration is classified as pathogenic.

NM_138694.4(PKHD1):c.4803_4804del (p.Asn1602fs)

Genes: PKHD1 (PKHD1 ciliary IPT domain containing fibrocystin/polyductin; minus strand), LOC126859690 (MED14-independent group 3 enhancer GRCh37_chr6:51888848-51890047; plus strand). Cytogenetic location: 6p12.2.
Variant type: Deletion.
Coding change: c.4803_4804del on transcript NM_138694.4 (MANE Select); coding-DNA positions 4803 to 4804, 2 bases deleted (GA; older notation c.4803_4804delGA).
Protein change: p.Asn1602fs; shifts the reading frame from asparagine 1602.
Molecular consequence: frameshift variant.
Genome position (GRCh38, 1-based): chr6:52,025,006-52,025,007, TC deleted on the plus strand (GA on the coding strand, the reverse complement: PKHD1 is on the minus strand); deleting any 2 consecutive bases within chr6:52,025,006-52,025,008 gives the same sequence; the c. name uses the placement nearest the transcript's 3' end. VCF-style (leftmost placement, unchanged base first): chr6-52025005-TTC-T. GRCh37 (hg19) VCF-style: chr6-51889803-TTC-T.
Other names: c.4803_4804del, p.Asn1602fs (NM_170724.3); short protein forms N1602fs.
Identifiers: ClinVar variation 3419325 (VCV003419325.1).
Genomic context (GRCh38, chr6:52,025,005, plus strand): 5'-AGCTCAGCACCGATGTTCACCGTCAGGCAGGTCTGCTGGTCAATATAGACTGACGTGGTG[TTC>T]TGTCCTCTCAGGCCTGTGCCCTCTATGGTCAAGAGGCTTCCACCATGTAAGCTGAAATTC-3'